The following is an entry in ClinVar:

NM_020297.4(ABCC9):c.406+305A>T

Gene: ABCC9 (ATP binding cassette subfamily C member 9; minus strand). Cytogenetic location: 12p12.1.
Variant type: single nucleotide variant.
Coding change: c.406+305A>T on transcript NM_020297.4 (MANE Select); 305 bases into the intron after coding-DNA position 406, A replaced by T.
Molecular consequence: intron variant.
Genome position (GRCh38, 1-based): chr12:21,925,637, T>A on the plus strand (A>T on the coding strand, the complement: ABCC9 is on the minus strand). VCF-style: chr12-21925637-T-A. GRCh37 (hg19) VCF-style: chr12-22078571-T-A.
Other names: c.-49+305A>T (NM_001377274.1); c.406+305A>T (NM_005691.4, NM_001377273.1).
Identifiers: ClinVar variation 681183 (VCV000681183.5), dbSNP rs2176394, ClinGen allele CA13644032.
Genomic context (GRCh38, chr12:21,925,637, plus strand): 5'-TTCACAGGGCAGCATGGTGCCGCAGCTCCTCACAAGAGCTCTGATTCTTAAAATACAACT[T>A]CTGCAAGCCAGAAGGCCAGCCATATTTCCTCCACTTTCTTCCCCCACCCCCCTACACCAC-3'

ClinVar aggregate classification (germline): Benign. Review status: criteria provided, multiple submitters, no conflicts (2 of 4 stars). 3 submissions from 3 submitters: Benign (3). Last evaluated 2021-07-14.

Conditions:
Hypertrichotic osteochondrodysplasia Cantu type. Also called: Cantú Syndrome; Cantu Syndrome. Identifiers: Orphanet 1517, MedGen C0795905, MONDO:0009406, OMIM 239850.

Allele frequency attached by ClinVar (database versions not stated): gnomAD exomes 0.62137; gnomAD 0.62792 and 0.63019; 1000 Genomes Project 0.67831; TOPMed 0.63096; 1000 Genomes Project 30x 0.67208.
gnomAD v4.1: 404,866 of 649,094 alleles (62%); highest among the groups gnomAD compares: East Asian, 77%; 127,567 homozygotes.

Submissions (3):

Genome-Nilou Lab
Classification: Benign for Hypertrichotic osteochondrodysplasia Cantu type. Last evaluated: 2021-07-14. Review status: criteria provided, single submitter. Criteria: ACMG Guidelines, 2015. Collection method: clinical testing. Allele origin: germline. Affected: no.

GeneDx
Classification: Benign. Last evaluated: 2018-06-14. Review status: criteria provided, single submitter. Criteria: GeneDx Variant Classification (06012015). Collection method: clinical testing. Allele origin: germline. Affected: yes.
Comment: This variant is considered likely benign or benign based on one or more of the following criteria: it is a conservative change, it occurs at a poorly conserved position in the protein, it is predicted to be benign by multiple in silico algorithms, and/or has population frequency not consistent with disease.

Breakthrough Genomics
Classification: Benign. Review status: criteria provided, single submitter. Criteria: ACMG Guidelines, 2015. Collection method: not provided. Allele origin: germline. Inheritance: Autosomal recessive inheritance. Affected: yes.